The following is an entry in ClinVar:

NM_001379029.1(CERT1):c.333C>T (p.Ala111=)

Gene: CERT1 (ceramide transporter 1; minus strand). Cytogenetic location: 5q13.3.
Variant type: single nucleotide variant.
Coding change: c.333C>T on transcript NM_001379029.1 (MANE Select); coding-DNA position 333, C replaced by T.
Protein change: p.Ala111=; no amino-acid change (alanine 111 retained).
Molecular consequence: synonymous variant.
Genome position (GRCh38, 1-based): chr5:75,459,080, G>A on the plus strand (C>T on the coding strand, the complement: CERT1 is on the minus strand). VCF-style: chr5-75459080-G-A. GRCh37 (hg19) VCF-style: chr5-74754905-G-A.
Other names: c.717C>T, p.Ala239= (NM_001130105.1); c.333C>T, p.Ala111= (NM_001379002.1, NM_001379003.1, NM_001379004.1 and 2 more transcripts).
Identifiers: ClinVar variation 4848029 (VCV004848029.1).

ClinVar aggregate classification (germline): Likely benign (1 of 4 stars; one submission).

gnomAD v4.1: 7 of 1,599,192 alleles (0.00044%); highest among the groups gnomAD compares: East Asian, 0.0022%; no homozygotes.

Submission:

Women's Health and Genetics/Laboratory Corporation of America, LabCorp
Classification: Likely benign. Last evaluated: 2026-02-04. Review status: criteria provided, single submitter. Criteria: LabCorp Variant Classification Summary - May 2015. Collection method: clinical testing. Allele origin: germline.
Comment: Variant summary: CERT1 c.717C>T results in a synonymous change. Consensus agreement among computation tools predict no significant impact on normal splicing. However, these predictions have yet to be confirmed by functional studies. The variant allele was found at a frequency of 7.1e-06 in 282330 control chromosomes. The available data on variant occurrences in the general population are insufficient to allow any conclusion about variant significance. To our knowledge, no occurrence of c.717C>T in individuals affected with CERT1-related conditions and no experimental evidence demonstrating its impact on protein function have been reported. No submitters have cited clinical-significance assessments for this variant to ClinVar. Based on the evidence outlined above, the variant was classified as likely benign.